The following is an entry in ClinVar:

ClinVar aggregate classification (germline): Uncertain significance (1 of 4 stars; one submission).

gnomAD v4.1: 6 of 1,613,738 alleles (0.00037%); highest among the groups gnomAD compares: Non-Finnish European, 0.00042%; no homozygotes.

Submission:

Ambry Genetics
Classification: Uncertain significance. Last evaluated: 2024-11-23. Review status: criteria provided, single submitter. Criteria: Ambry Variant Classification Scheme 2023. Collection method: clinical testing. Allele origin: germline.
Comment: The p.P550L variant (also known as c.1649C>T), located in coding exon 2 of the CDK12 gene, results from a C to T substitution at nucleotide position 1649. The proline at codon 550 is replaced by leucine, an amino acid with similar properties. This amino acid position is conserved. In addition, this alteration is predicted to be tolerated by in silico analysis. Based on the available evidence, the clinical significance of this variant remains unclear.

NM_016507.4(CDK12):c.1649C>T (p.Pro550Leu)

Gene: CDK12 (cyclin dependent kinase 12; plus strand). Cytogenetic location: 17q12.
Variant type: single nucleotide variant.
Coding change: c.1649C>T on transcript NM_016507.4 (MANE Select); coding-DNA position 1649, C replaced by T.
Protein change: p.Pro550Leu; replaces proline 550 with leucine.
Molecular consequence: missense variant.
Genome position (GRCh38, 1-based): chr17:39,471,481, C>T. VCF-style: chr17-39471481-C-T. GRCh37 (hg19) VCF-style: chr17-37627734-C-T.
Other names: c.1649C>T, p.Pro550Leu (NM_015083.4); short protein forms P550L.
Identifiers: ClinVar variation 3489250 (VCV003489250.1).